The following is an entry in ClinVar:

ClinVar aggregate classification (germline): Uncertain significance. Review status: criteria provided, multiple submitters, no conflicts (2 of 4 stars). 2 submissions from 2 submitters: Uncertain significance (2). Last evaluated 2024-09-23.

Conditions:
Inborn genetic diseases. Identifiers: MedGen C0950123, MeSH D030342.
Ellis-van Creveld syndrome (EVC). Also called: EVC-Related Ellis-van Creveld Syndrome; EVC2-Related Ellis-van Creveld Syndrome; MESOECTODERMAL DYSPLASIA; Chondroectodermal dysplasia. Identifiers: Orphanet 289, MedGen C0013903, MONDO:0009162, OMIM 225500.
Curry-Hall syndrome (WAD). Also called: WEYERS ACRODENTAL DYSOSTOSIS. Identifiers: Orphanet 952, MedGen C0457013, MONDO:0008673, OMIM 193530.

Allele frequency attached by ClinVar (database versions not stated): gnomAD exomes 0.00008; ExAC 0.00010.
gnomAD v4.1: 45 of 1,613,982 alleles (0.0028%); highest among the groups gnomAD compares: East Asian, 0.047%; no homozygotes.

Submissions (2):

Labcorp Genetics (formerly Invitae), Labcorp
Classification: Uncertain significance for Curry-Hall syndrome; Ellis-van Creveld syndrome. Last evaluated: 2024-09-23. Review status: criteria provided, single submitter. Criteria: Invitae Variant Classification Sherloc (09022015). Collection method: clinical testing. Allele origin: germline.
Comment: This sequence change replaces arginine, which is basic and polar, with cysteine, which is neutral and slightly polar, at codon 486 of the EVC2 protein (p.Arg486Cys). This variant is present in population databases (rs780919705, gnomAD 0.09%). This variant has not been reported in the literature in individuals affected with EVC2-related conditions. ClinVar contains an entry for this variant (Variation ID: 1483180). An algorithm developed to predict the effect of missense changes on protein structure and function (PolyPhen-2) suggests that this variant¬¨‚Ä†is likely to be tolerated. In summary, the available evidence is currently insufficient to determine the role of this variant in disease. Therefore, it has been classified as a Variant of Uncertain Significance.

Ambry Genetics
Classification: Uncertain significance for Inborn genetic diseases. Last evaluated: 2024-03-07. Review status: criteria provided, single submitter. Criteria: Ambry Variant Classification Scheme 2023. Collection method: clinical testing. Allele origin: germline.

NM_147127.5(EVC2):c.1456C>T (p.Arg486Cys)

Genes: EVC2 (EvC ciliary complex subunit 2; minus strand), LOC126806961 (BRD4-independent group 4 enhancer GRCh37_chr4:5641443-5642642; plus strand). Cytogenetic location: 4p16.2.
Variant type: single nucleotide variant.
Coding change: c.1456C>T on transcript NM_147127.5 (MANE Select); coding-DNA position 1456, C replaced by T.
Protein change: p.Arg486Cys; replaces arginine 486 with cysteine.
Molecular consequence: missense variant.
Genome position (GRCh38, 1-based): chr4:5,640,528, G>A on the plus strand (C>T on the coding strand, the complement: EVC2 is on the minus strand). VCF-style: chr4-5640528-G-A. GRCh37 (hg19) VCF-style: chr4-5642255-G-A.
Other names: c.1456C>T (NM_147127.4); c.1216C>T, p.Arg406Cys (NM_001166136.2); short protein forms R486C, R406C.
Identifiers: ClinVar variation 1483180 (VCV001483180.6), dbSNP rs780919705, ClinGen allele CA2835064.